The following is an entry in ClinVar:

ClinVar aggregate classification (germline): Uncertain significance. Review status: criteria provided, multiple submitters, no conflicts (2 of 4 stars). 2 submissions from 2 submitters: Uncertain significance (2). Last evaluated 2022-03-28.

Conditions:
Familial sleep-related hypermotor epilepsy. Also called: Autosomal Dominant Sleep-Related Hypermotor (Hyperkinetic) Epilepsy. Identifiers: Orphanet 98784, MedGen C3696898, MONDO:0000030.

Allele frequency attached by ClinVar (database versions not stated): gnomAD exomes below 0.00001.
gnomAD v4.1: 2 of 1,609,918 alleles (0.00012%); highest among the groups gnomAD compares: Non-Finnish European, 0.00017%; no homozygotes.

Submissions (2):

Labcorp Genetics (formerly Invitae), Labcorp
Classification: Uncertain significance. Last evaluated: 2022-03-28. Review status: criteria provided, single submitter. Criteria: Invitae Variant Classification Sherloc (09022015). Collection method: clinical testing. Allele origin: germline.
Comment: ClinVar contains an entry for this variant (Variation ID: 422154). In summary, the available evidence is currently insufficient to determine the role of this variant in disease. Therefore, it has been classified as a Variant of Uncertain Significance. Algorithms developed to predict the effect of missense changes on protein structure and function are either unavailable or do not agree on the potential impact of this missense change (SIFT: "Tolerated"; PolyPhen-2: "Possibly Damaging"; Align-GVGD: "Class C0"). This variant has not been reported in the literature in individuals affected with CHRNA4-related conditions. This variant is not present in population databases (gnomAD no frequency). This sequence change replaces glutamic acid, which is acidic and polar, with aspartic acid, which is acidic and polar, at codon 387 of the CHRNA4 protein (p.Glu387Asp).

GeneDx
Classification: Uncertain significance. Last evaluated: 2018-12-10. Review status: criteria provided, single submitter. Criteria: GeneDx Variant Classification (06012015). Collection method: clinical testing. Allele origin: germline. Affected: yes.
Comment: A variant of uncertain significance has been identified in the CHRNA4 gene. The E387D variant has not been published as a pathogenic variant, nor has it been reported as a benign variant to our knowledge. It was not observed in approximately 6,500 individuals of European and African American ancestry in the NHLBI Exome Sequencing Project, indicating it is not a common benign variant in these populations. This substitution occurs at a position that is conserved in mammals. However, the E387D variant is a conservative amino acid substitution, which is not likely to impact secondary protein structure as these residues share similar properties. Additionally, this amino acid substitution is not predicted to occur within the transmembrane region of the protein, where the vast majority of pathogenic missense variants have been identified in association with epilepsy (Steinlein et al., 2010). In silico analysis is inconsistent in its predictions as to whether or not the variant is damaging to the protein structure/function. Therefore, based on the currently available information, it is unclear whether this variant is a pathogenic variant or a rare benign variant.

NM_000744.7(CHRNA4):c.1161G>C (p.Glu387Asp)

Gene: CHRNA4 (cholinergic receptor nicotinic alpha 4 subunit; minus strand). Cytogenetic location: 20q13.33.
Variant type: single nucleotide variant.
Coding change: c.1161G>C on transcript NM_000744.7 (MANE Select); coding-DNA position 1161, G replaced by C.
Protein change: p.Glu387Asp; replaces glutamic acid 387 with aspartic acid.
Molecular consequence: missense variant. On other transcripts: non-coding transcript variant (1).
Genome position (GRCh38, 1-based): chr20:63,350,250, C>G on the plus strand (G>C on the coding strand, the complement: CHRNA4 is on the minus strand). VCF-style: chr20-63350250-C-G. GRCh37 (hg19) VCF-style: chr20-61981602-C-G.
Other names: c.633G>C, p.Glu211Asp (NM_001256573.2); short protein forms E387D, E211D.
Identifiers: ClinVar variation 422154 (VCV000422154.6), dbSNP rs1064795592, ClinGen allele CA16620953.